The following is an entry in ClinVar:

NM_000064.4(C3):c.1328C>G (p.Ala443Gly)

Gene: C3 (complement C3; minus strand). Cytogenetic location: 19p13.3.
Variant type: single nucleotide variant.
Coding change: c.1328C>G on transcript NM_000064.4 (MANE Select); coding-DNA position 1328, C replaced by G.
Protein change: p.Ala443Gly; replaces alanine 443 with glycine.
Molecular consequence: missense variant.
Genome position (GRCh38, 1-based): chr19:6,711,138, G>C on the plus strand (C>G on the coding strand, the complement: C3 is on the minus strand). VCF-style: chr19-6711138-G-C. GRCh37 (hg19) VCF-style: chr19-6711149-G-C.
Other names: short protein forms A443G.
Identifiers: ClinVar variation 4743057 (VCV004743057.1).

ClinVar aggregate classification (germline): Uncertain significance (1 of 4 stars; one submission).

Submission:

Labcorp Genetics (formerly Invitae), Labcorp
Classification: Uncertain significance. Last evaluated: 2025-08-21. Review status: criteria provided, single submitter. Criteria: Invitae Variant Classification Sherloc (09022015). Collection method: clinical testing. Allele origin: germline.
Comment: This sequence change replaces alanine, which is neutral and non-polar, with glycine, which is neutral and non-polar, at codon 443 of the C3 protein (p.Ala443Gly). This variant is not present in population databases (gnomAD no frequency). This variant has not been reported in the literature in individuals affected with C3-related conditions. Invitae Evidence Modeling of protein sequence and biophysical properties (such as structural, functional, and spatial information, amino acid conservation, physicochemical variation, residue mobility, and thermodynamic stability) indicates that this missense variant is expected to disrupt C3 protein function with a positive predictive value of 80%. In summary, the available evidence is currently insufficient to determine the role of this variant in disease. Therefore, it has been classified as a Variant of Uncertain Significance.